The following is an entry in ClinVar:

NM_006231.4(POLE):c.3049C>T (p.Leu1017=)

Gene: POLE (DNA polymerase epsilon, catalytic subunit; minus strand). Cytogenetic location: 12q24.33.
Variant type: single nucleotide variant.
Coding change: c.3049C>T on transcript NM_006231.4 (MANE Select); coding-DNA position 3049, C replaced by T.
Protein change: p.Leu1017=; no amino-acid change (leucine 1017 retained).
Molecular consequence: synonymous variant.
Genome position (GRCh38, 1-based): chr12:132,660,980, G>A on the plus strand (C>T on the coding strand, the complement: POLE is on the minus strand). VCF-style: chr12-132660980-G-A. GRCh37 (hg19) VCF-style: chr12-133237566-G-A.
Identifiers: ClinVar variation 240454 (VCV000240454.68), dbSNP rs371831931, ClinGen allele CA6893383.

ClinVar aggregate classification (germline): Likely benign. Review status: criteria provided, multiple submitters, no conflicts (2 of 4 stars). 10 submissions from 10 submitters: Likely benign (10). Last evaluated 2026-02-01.

Conditions:
Intrauterine growth retardation, metaphyseal dysplasia, adrenal hypoplasia congenita, genital anomalies, and immunodeficiency. Also called: IMAGEI SYNDROME. Identifiers: MedGen C5193036, MONDO:0032684, OMIM 618336.
Facial dysmorphism-immunodeficiency-livedo-short stature syndrome. Also called: FILS syndrome; Facial dysmorphism, immunodeficiency, livedo, and short stature. Identifiers: Orphanet 352712, MedGen C3554576, MONDO:0014058, OMIM 615139.
Colorectal cancer, susceptibility to, 12 (CRCS12). Also called: COLORECTAL CANCER, SUSCEPTIBILITY TO, ON CHROMOSOME 12q24. Identifiers: Orphanet 220460, MedGen C3554460, MONDO:0014038, OMIM 615083.
Hereditary cancer-predisposing syndrome. Also called: Tumor predisposition; Hereditary Cancer Syndrome; Neoplastic Syndromes, Hereditary; Hereditary neoplastic syndrome. Identifiers: Orphanet 140162, MedGen C0027672, MeSH D009386, MONDO:0015356.

Allele frequency attached by ClinVar (database versions not stated): TOPMed 0.00007; gnomAD 0.00009; gnomAD exomes 0.00010 and 0.00013; ExAC 0.00015; ESP Exome Variant Server 0.00015.

Submissions (10):

Labcorp Genetics (formerly Invitae), Labcorp
Classification: Likely benign. Last evaluated: 2026-02-01. Review status: criteria provided, single submitter. Criteria: Invitae Variant Classification Sherloc (09022015). Collection method: clinical testing. Allele origin: germline.

Center for Genomic Medicine, Rigshospitalet, Copenhagen University Hospital
Classification: Likely benign. Last evaluated: 2025-03-04. Review status: criteria provided, single submitter. Criteria: ACMG Guidelines, 2015. Collection method: clinical testing. Allele origin: germline.

Blueprint Genetics
Classification: Likely benign. Last evaluated: 2024-11-05. Review status: criteria provided, single submitter. Criteria: ACMG Guidelines, 2015. Collection method: clinical testing. Allele origin: germline.

CeGaT Center for Human Genetics Tuebingen
Classification: Likely benign. Last evaluated: 2023-11-01. Review status: criteria provided, single submitter. Criteria: CeGaT Center For Human Genetics Tuebingen Variant Classification Criteria Version 2. Collection method: clinical testing. Allele origin: germline. Affected: yes. Observed: 2 variant alleles.
Comment: POLE: BP4

ARUP Laboratories, Molecular Genetics and Genomics, ARUP Laboratories
Classification: Likely benign. Last evaluated: 2023-02-27. Review status: criteria provided, single submitter. Criteria: ARUP Molecular Germline Variant Investigation Process 2024. Collection method: clinical testing. Allele origin: germline.

Department of Pathology and Laboratory Medicine, Sinai Health System
Classification: Likely benign for Colorectal cancer, susceptibility to, 12; Facial dysmorphism-immunodeficiency-livedo-short stature syndrome; Intrauterine growth retardation, metaphyseal dysplasia, adrenal hypoplasia congenita, genital anomalies, and immunodeficiency. Last evaluated: 2022-05-31. Review status: criteria provided, single submitter. Criteria: ACMG Guidelines, 2015. Collection method: clinical testing. Allele origin: germline. Affected: no.

Sema4
Classification: Likely benign for Hereditary cancer-predisposing syndrome. Last evaluated: 2021-04-22. Review status: criteria provided, single submitter. Criteria: Sema4 Curation Guidelines. Collection method: curation. Allele origin: germline.

GeneDx
Classification: Likely benign. Last evaluated: 2021-03-02. Review status: criteria provided, single submitter. Criteria: GeneDx Variant Classification Process June 2021. Collection method: clinical testing. Allele origin: germline. Affected: yes.

Quest Diagnostics Nichols Institute San Juan Capistrano
Classification: Likely benign. Last evaluated: 2019-06-09. Review status: criteria provided, single submitter. Criteria: Quest Diagnostics criteria. Collection method: clinical testing. Allele origin: germline.

Ambry Genetics
Classification: Likely benign for Hereditary cancer-predisposing syndrome. Last evaluated: 2015-10-08. Review status: criteria provided, single submitter. Criteria: Ambry Variant Classification Scheme 2023. Collection method: clinical testing. Allele origin: germline.